The following is an entry in ClinVar:

ClinVar aggregate classification (germline): Uncertain significance (1 of 4 stars; one submission).

Allele frequency attached by ClinVar (database versions not stated): gnomAD exomes below 0.00001.
gnomAD v4.1: 1 of 1,612,204 alleles (0.000062%); highest among the groups gnomAD compares: South Asian, 0.0011%; no homozygotes.

Submission:

Labcorp Genetics (formerly Invitae), Labcorp
Classification: Uncertain significance. Last evaluated: 2022-04-16. Review status: criteria provided, single submitter. Criteria: Invitae Variant Classification Sherloc (09022015). Collection method: clinical testing. Allele origin: germline.
Comment: This variant has not been reported in the literature in individuals affected with ARMC9-related conditions. Experimental studies and prediction algorithms are not available or were not evaluated, and the functional significance of this variant is currently unknown. In summary, the available evidence is currently insufficient to determine the role of this variant in disease. Therefore, it has been classified as a Variant of Uncertain Significance. This sequence change replaces glutamic acid, which is acidic and polar, with lysine, which is basic and polar, at codon 165 of the ARMC9 protein (p.Glu165Lys). This variant is not present in population databases (gnomAD no frequency).

NM_001352754.2(ARMC9):c.493G>A (p.Glu165Lys)

Gene: ARMC9 (armadillo repeat containing 9; plus strand). Cytogenetic location: 2q37.1.
Variant type: single nucleotide variant.
Coding change: c.493G>A on transcript NM_001352754.2 (MANE Select); coding-DNA position 493, G replaced by A.
Protein change: p.Glu165Lys; replaces glutamic acid 165 with lysine.
Molecular consequence: missense variant. On other transcripts: non-coding transcript variant (1).
Genome position (GRCh38, 1-based): chr2:231,216,782, G>A. VCF-style: chr2-231216782-G-A. GRCh37 (hg19) VCF-style: chr2-232081495-G-A.
Other names: c.493G>A, p.Glu165Lys (NM_001271466.4, NM_001291656.2, NM_001352755.2 and 5 more transcripts); short protein forms E165K.
Identifiers: ClinVar variation 2086193 (VCV002086193.4), dbSNP rs2469607142, ClinGen allele CA350947374.